The following is an entry in ClinVar:

ClinVar aggregate classification (germline): Uncertain significance (1 of 4 stars; one submission).

Allele frequency attached by ClinVar (database versions not stated): gnomAD exomes below 0.00001; TOPMed below 0.00001.

Submission:

Labcorp Genetics (formerly Invitae), Labcorp
Classification: Uncertain significance. Last evaluated: 2022-01-13. Review status: criteria provided, single submitter. Criteria: Invitae Variant Classification Sherloc (09022015). Collection method: clinical testing. Allele origin: germline.
Comment: In summary, the available evidence is currently insufficient to determine the role of this variant in disease. Therefore, it has been classified as a Variant of Uncertain Significance. Algorithms developed to predict the effect of missense changes on protein structure and function are either unavailable or do not agree on the potential impact of this missense change (SIFT: "Deleterious"; PolyPhen-2: "Benign"; Align-GVGD: "Class C0"). This variant has not been reported in the literature in individuals affected with CEP78-related conditions. This variant is present in population databases (no rsID available, gnomAD 0.0009%). This sequence change replaces serine, which is neutral and polar, with asparagine, which is neutral and polar, at codon 117 of the CEP78 protein (p.Ser117Asn).

NM_001330691.3(CEP78):c.350G>A (p.Ser117Asn)

Gene: CEP78 (centrosomal protein 78; plus strand). Cytogenetic location: 9q21.2.
Variant type: single nucleotide variant.
Coding change: c.350G>A on transcript NM_001330691.3 (MANE Select); coding-DNA position 350, G replaced by A.
Protein change: p.Ser117Asn; replaces serine 117 with asparagine.
Molecular consequence: missense variant.
Genome position (GRCh38, 1-based): chr9:78,240,119, G>A. VCF-style: chr9-78240119-G-A. GRCh37 (hg19) VCF-style: chr9-80855035-G-A.
Other names: c.350G>A, p.Ser117Asn (NM_001098802.3, NM_001330693.3, NM_001330694.2 and 4 more transcripts); short protein forms S117N.
Identifiers: ClinVar variation 1966226 (VCV001966226.5), dbSNP rs1374682078, ClinGen allele CA373999798.